The following is an entry in ClinVar:

ClinVar aggregate classification (germline): Uncertain significance. Review status: criteria provided, multiple submitters, no conflicts (2 of 4 stars). 2 submissions from 2 submitters: Uncertain significance (2). Last evaluated 2024-02-11.

Conditions:
Hereditary cancer-predisposing syndrome. Also called: Tumor predisposition; Hereditary neoplastic syndrome; Hereditary Cancer Syndrome; Neoplastic Syndromes, Hereditary. Identifiers: Orphanet 140162, MedGen C0027672, MeSH D009386, MONDO:0015356.
Bloom syndrome (BLM). Also called: Bloom-Torre-Machacek syndrome. Identifiers: Orphanet 125, MedGen C0005859, MONDO:0008876, OMIM 210900.

Submissions (2):

Ambry Genetics
Classification: Uncertain significance for Hereditary cancer-predisposing syndrome. Last evaluated: 2024-02-11. Review status: criteria provided, single submitter. Criteria: Ambry Variant Classification Scheme 2023. Collection method: clinical testing. Allele origin: germline.
Comment: The p.A746T variant (also known as c.2236G>A), located in coding exon 9 of the BLM gene, results from a G to A substitution at nucleotide position 2236. The alanine at codon 746 is replaced by threonine, an amino acid with similar properties. This amino acid position is conserved. In addition, the in silico prediction for this alteration is inconclusive. Based on the available evidence, the clinical significance of this alteration remains unclear.

Labcorp Genetics (formerly Invitae), Labcorp
Classification: Uncertain significance for Bloom syndrome. Last evaluated: 2019-11-08. Review status: criteria provided, single submitter. Criteria: Invitae Variant Classification Sherloc (09022015). Collection method: clinical testing. Allele origin: germline.
Comment: This variant has not been reported in the literature in individuals with BLM-related conditions. This variant is not present in population databases (ExAC no frequency). This sequence change replaces alanine with threonine at codon 746 of the BLM protein (p.Ala746Thr). The alanine residue is moderately conserved and there is a small physicochemical difference between alanine and threonine. In summary, the available evidence is currently insufficient to determine the role of this variant in disease. Therefore, it has been classified as a Variant of Uncertain Significance. Algorithms developed to predict the effect of missense changes on protein structure and function are either unavailable or do not agree on the potential impact of this missense change (SIFT: "Tolerated"; PolyPhen-2: "Probably Damaging"; Align-GVGD: "Class C0").

NM_000057.4(BLM):c.2236G>A (p.Ala746Thr)

Gene: BLM (BLM RecQ like helicase; plus strand). Cytogenetic location: 15q26.1.
Variant type: single nucleotide variant.
Coding change: c.2236G>A on transcript NM_000057.4 (MANE Select); coding-DNA position 2236, G replaced by A.
Protein change: p.Ala746Thr; replaces alanine 746 with threonine.
Molecular consequence: missense variant.
Genome position (GRCh38, 1-based): chr15:90,766,952, G>A. VCF-style: chr15-90766952-G-A. GRCh37 (hg19) VCF-style: chr15-91310182-G-A.
Other names: c.2236G>A, p.Ala746Thr (NM_001287246.2, NM_001287247.2); c.1111G>A, p.Ala371Thr (NM_001287248.2); c.2236G>A (NM_000057.2); short protein forms A371T, A746T.
Identifiers: ClinVar variation 964698 (VCV000964698.11), dbSNP rs1896147300, ClinGen allele CA393844853.